The following is an entry in ClinVar:

NM_057175.5(NAA15):c.1947G>A (p.Lys649=)

Gene: NAA15 (N-alpha-acetyltransferase 15, NatA auxiliary subunit; plus strand). Cytogenetic location: 4q31.1.
Variant type: single nucleotide variant.
Coding change: c.1947G>A on transcript NM_057175.5 (MANE Select); coding-DNA position 1947, G replaced by A.
Protein change: p.Lys649=; no amino-acid change (lysine 649 retained).
Molecular consequence: synonymous variant.
Genome position (GRCh38, 1-based): chr4:139,370,404, G>A. VCF-style: chr4-139370404-G-A. GRCh37 (hg19) VCF-style: chr4-140291558-G-A.
Other names: c.1947G>A, p.Lys649= (NM_001410842.1).
Identifiers: ClinVar variation 4625713 (VCV004625713.1).

ClinVar aggregate classification (germline): Likely pathogenic (1 of 4 stars; one submission).

Conditions:
Inborn genetic diseases. Identifiers: MedGen C0950123, MeSH D030342.

Submission:

Ambry Genetics
Classification: Likely pathogenic for Inborn genetic diseases. Last evaluated: 2025-09-26. Review status: criteria provided, single submitter. Criteria: Ambry Variant Classification Scheme 2023. Collection method: clinical testing. Allele origin: germline.
Comment: The c.1947G>A (p.K649K) alteration is located in exon 15 (coding exon 15) of the NAA15 gene. This alteration consists of a G to A substitution at nucleotide position 1947. This nucleotide substitution does not change the amino acid at codon 649. However, this change occurs in the last base pair of exon 15 (coding exon15), which makes it likely to have some effect on normal mRNA splicing. This variant was not reported in population-based cohorts in the Genome Aggregation Database (gnomAD). This nucleotide position is highly conserved in available vertebrate species. This amino acid position is highly conserved in available vertebrate species. In silico splice site analysis predicts that this alteration will weaken the native splice donor site. Based on the available evidence, this alteration is classified as likely pathogenic.